The following is an entry in ClinVar:

NM_001354604.2(MITF):c.815C>A (p.Pro272Gln)

Gene: MITF (melanocyte inducing transcription factor; plus strand). Cytogenetic location: 3p13.
Variant type: single nucleotide variant.
Coding change: c.815C>A on transcript NM_001354604.2 (MANE Select); coding-DNA position 815, C replaced by A.
Protein change: p.Pro272Gln; replaces proline 272 with glutamine.
Molecular consequence: missense variant.
Genome position (GRCh38, 1-based): chr3:69,949,103, C>A. VCF-style: chr3-69949103-C-A. GRCh37 (hg19) VCF-style: chr3-69998254-C-A.
Other names: c.494C>A, p.Pro165Gln (NM_000248.4, NM_198158.3); c.659C>A, p.Pro220Gln (NM_001184967.2, NM_001354608.2); c.812C>A, p.Pro271Gln (NM_001354605.2, NM_001354606.2, NM_006722.3); c.764C>A, p.Pro255Gln (NM_001354607.2); c.815C>A, p.Pro272Gln (NM_198159.3); c.767C>A, p.Pro256Gln (NM_198177.3); c.326C>A, p.Pro109Gln (NM_198178.3); short protein forms P109Q, P165Q, P220Q, P255Q, P256Q, P271Q, P272Q.
Identifiers: ClinVar variation 2631491 (VCV002631491.5), dbSNP rs768418058, ClinGen allele CA2490480.
Genomic context (GRCh38, chr3:69,949,103, plus strand): 5'-CTCTCTAGTTGCCTGTCTCGGGAAACTTGATTGATCTTTATGGAAACCAAGGTCTGCCCC[C>A]ACCAGGCCTCACCATCAGCAACTCCTGTCCAGCCAACCTTCCCAACATAAAAAGGGAGCT-3'
Protein context (NP_001341533.1, residues 262-282): IDLYGNQGLP[Pro272Gln]PGLTISNSCP

ClinVar aggregate classification (germline): Conflicting classifications of pathogenicity. Review status: criteria provided, conflicting classifications (1 of 4 stars). 3 submissions from 3 submitters: Uncertain significance (2); Likely benign (1). Last evaluated 2026-07-08.

Conditions:
MITF-related disorder. Also called: MITF-related condition.
Tietz syndrome (TADS). Also called: ALBINISM-DEAFNESS OF TIETZ; HYPOPIGMENTATION/DEAFNESS OF TIETZ; TIETZ ALBINISM-DEAFNESS SYNDROME. Identifiers: Orphanet 42665, MedGen C0391816, MONDO:0007077, OMIM 103500.
Waardenburg syndrome type 2A (WS2A). Also called: WAARDENBURG SYNDROME WITHOUT DYSTOPIA CANTHORUM. Identifiers: Orphanet 3440, MedGen C1860339, MONDO:0008671, OMIM 193510.
Melanoma, cutaneous malignant, susceptibility to, 8. Also called: MELANOMA AND RENAL CELL CARCINOMA, SUSCEPTIBILITY TO; Cutaneous malignant melanoma 8. Identifiers: Orphanet 293822, MedGen C3152204, MONDO:0013759, OMIM 614456.
Hereditary cancer-predisposing syndrome. Also called: Tumor predisposition; Hereditary Cancer Syndrome; Hereditary neoplastic syndrome; Neoplastic Syndromes, Hereditary. Identifiers: Orphanet 140162, MedGen C0027672, MeSH D009386, MONDO:0015356.

gnomAD v4.1: 8 of 1,613,806 alleles (0.0005%); highest among the groups gnomAD compares: African/African-American, 0.0013%; no homozygotes.

Submissions (3):

PreventionGenetics, part of Exact Sciences
Classification: Uncertain significance for MITF-related condition. Last evaluated: 2026-07-08. Review status: criteria provided, single submitter. Criteria: ACMG Guidelines, 2015. Collection method: clinical testing. Allele origin: germline.
Comment: The MITF c.494C>A variant is predicted to result in the amino acid substitution p.Pro165Gln. To our knowledge, this variant has not been reported in the literature. This variant is reported in 0.012% of alleles in individuals of African descent in gnomAD. At this time, the clinical significance of this variant is uncertain due to the absence of conclusive functional and genetic evidence.

Labcorp Genetics (formerly Invitae), Labcorp
Classification: Uncertain significance for Melanoma, cutaneous malignant, susceptibility to, 8; Waardenburg syndrome type 2A; Tietz syndrome. Last evaluated: 2026-01-13. Review status: criteria provided, single submitter. Criteria: Invitae Variant Classification Sherloc (09022015). Collection method: clinical testing. Allele origin: germline.
Comment: This sequence change replaces proline, which is neutral and non-polar, with glutamine, which is neutral and polar, at codon 165 of the MITF protein (p.Pro165Gln). This variant is present in population databases (rs768418058, gnomAD 0.01%). This variant has not been reported in the literature in individuals affected with MITF-related conditions. ClinVar contains an entry for this variant (Variation ID: 2631491). Invitae Evidence Modeling of protein sequence and biophysical properties (such as structural, functional, and spatial information, amino acid conservation, physicochemical variation, residue mobility, and thermodynamic stability) indicates that this missense variant is not expected to disrupt MITF protein function with a negative predictive value of 80%. In summary, the available evidence is currently insufficient to determine the role of this variant in disease. Therefore, it has been classified as a Variant of Uncertain Significance.

Ambry Genetics
Classification: Likely benign for Hereditary cancer-predisposing syndrome. Last evaluated: 2025-10-21. Review status: criteria provided, single submitter. Criteria: Ambry Variant Classification Scheme 2023. Collection method: clinical testing. Allele origin: germline.